The following is an entry in ClinVar:

ClinVar aggregate classification (germline): Benign (1 of 4 stars; one submission).

Conditions:
Histiocytic medullary reticulosis. Also called: Omenn syndrome; SEVERE COMBINED IMMUNODEFICIENCY WITH HYPEREOSINOPHILIA. Identifiers: Orphanet 39041, MedGen C2700553, MONDO:0011338, OMIM 603554.

Allele frequency attached by ClinVar (database versions not stated): 1000 Genomes Project 0.01937; gnomAD 0.01954 and 0.02114; 1000 Genomes Project 30x 0.02139; TOPMed 0.02217.
gnomAD v4.1: 2,944 of 152,074 alleles (1.9%); highest among the groups gnomAD compares: African/African-American, 6.6%; 111 homozygotes.

Submission:

Illumina Laboratory Services, Illumina
Classification: Benign for Histiocytic medullary reticulosis. Last evaluated: 2018-01-13. Review status: criteria provided, single submitter. Criteria: ICSL Variant Classification Criteria 13 December 2019. Collection method: clinical testing. Allele origin: germline.
Comment: This variant was observed in the ICSL laboratory as part of a predisposition screen in an ostensibly healthy population. It had not been previously curated by ICSL or reported in the Human Gene Mutation Database (HGMD: prior to June 1st, 2018), and was therefore a candidate for classification through an automated scoring system. Utilizing variant allele frequency, disease prevalence and penetrance estimates, and inheritance mode, an automated score was calculated to assess if this variant is too frequent to cause the disease. Based on the score and internal cut-off values, a variant classified as benign is not then subjected to further curation. The score for this variant resulted in a classification of benign for this disease.

NM_001033855.3(DCLRE1C):c.*1287T>C

Gene: DCLRE1C (DNA cross-link repair 1C; minus strand). Cytogenetic location: 10p13.
Variant type: single nucleotide variant.
Coding change: c.*1287T>C on transcript NM_001033855.3 (MANE Select); 1287 bases downstream of the stop codon, T replaced by C.
Molecular consequence: 3 prime UTR variant. On other transcripts: non-coding transcript variant (3), intron variant (3).
Genome position (GRCh38, 1-based): chr10:14,907,121, A>G on the plus strand (T>C on the coding strand, the complement: DCLRE1C is on the minus strand). VCF-style: chr10-14907121-A-G. GRCh37 (hg19) VCF-style: chr10-14949120-A-G.
Other names: c.*1287T>C (NM_001033857.3, NM_001033858.3, NM_001289076.2 and 4 more transcripts); c.1437+1584T>C (NM_001350966.2); c.1782+1584T>C (NM_001350965.2); c.1422+1584T>C (NM_001350967.2).
Identifiers: ClinVar variation 879495 (VCV000879495.4), dbSNP rs41300698, ClinGen allele CA203425801.